The following is an entry in ClinVar:

ClinVar aggregate classification (germline): Likely pathogenic (1 of 4 stars; one submission).

Submission:

GeneDx
Classification: Likely pathogenic. Last evaluated: 2016-01-04. Review status: criteria provided, single submitter. Criteria: GeneDx Variant Classification (06012015). Collection method: clinical testing. Allele origin: germline. Affected: yes.
Comment: The G377R variant in the DARS gene has not been reported previously as a pathogenic variant, nor as a benign variant, to our knowledge. The G377R variant was not observed in approximately 6500 individuals of European and African American ancestry in the NHLBI Exome Sequencing Project, indicating it is not a common benign variant in these populations. The G377R variant is a non-conservative amino acid substitution, which occurs within the AA_TRNA_LIGASE_II domain at a position that is conserved across species. In silico analysis predicts this variant is probably damaging to the protein structure/function. The G377R variant is a strong candidate for a pathogenic variant, however the possibility it may be a rare benign variant cannot be excluded.

NM_001349.4(DARS1):c.1129G>C (p.Gly377Arg)

Gene: DARS1 (aspartyl-tRNA synthetase 1; minus strand). Cytogenetic location: 2q21.3.
Variant type: single nucleotide variant.
Coding change: c.1129G>C on transcript NM_001349.4 (MANE Select); coding-DNA position 1129, G replaced by C.
Protein change: p.Gly377Arg; replaces glycine 377 with arginine.
Molecular consequence: missense variant.
Genome position (GRCh38, 1-based): chr2:135,914,489, C>G on the plus strand (G>C on the coding strand, the complement: DARS1 is on the minus strand). VCF-style: chr2-135914489-C-G. GRCh37 (hg19) VCF-style: chr2-136672059-C-G.
Other names: c.829G>C, p.Gly277Arg (NM_001293312.1); short protein forms G377R, G277R.
Identifiers: ClinVar variation 372877 (VCV000372877.1), dbSNP rs761230959, ClinGen allele CA16042383.